The following is an entry in ClinVar:

NM_001379500.1(COL18A1):c.2672C>G (p.Pro891Arg)

Gene: COL18A1 (collagen type XVIII alpha 1 chain; plus strand). Cytogenetic location: 21q22.3.
Variant type: single nucleotide variant.
Coding change: c.2672C>G on transcript NM_001379500.1 (MANE Select); coding-DNA position 2672, C replaced by G.
Protein change: p.Pro891Arg; replaces proline 891 with arginine.
Molecular consequence: missense variant.
Genome position (GRCh38, 1-based): chr21:45,497,650, C>G. VCF-style: chr21-45497650-C-G. GRCh37 (hg19) VCF-style: chr21-46917564-C-G.
Other names: c.3212C>G, p.Pro1071Arg (NM_030582.4); c.3917C>G, p.Pro1306Arg (NM_130444.3); short protein forms P891R, P1071R, P1306R.
Identifiers: ClinVar variation 2712471 (VCV002712471.3), dbSNP rs868162037, ClinGen allele CA410498233.

ClinVar aggregate classification (germline): Uncertain significance (1 of 4 stars; one submission).

Submission:

Labcorp Genetics (formerly Invitae), Labcorp
Classification: Uncertain significance. Last evaluated: 2023-11-06. Review status: criteria provided, single submitter. Criteria: Invitae Variant Classification Sherloc (09022015). Collection method: clinical testing. Allele origin: germline.
Comment: This sequence change replaces proline, which is neutral and non-polar, with arginine, which is basic and polar, at codon 891 of the COL18A1 protein (p.Pro891Arg). This variant is not present in population databases (gnomAD no frequency). This variant has not been reported in the literature in individuals affected with COL18A1-related conditions. Experimental studies and prediction algorithms are not available or were not evaluated, and the functional significance of this variant is currently unknown. In summary, the available evidence is currently insufficient to determine the role of this variant in disease. Therefore, it has been classified as a Variant of Uncertain Significance.